The following is an entry in ClinVar:

ClinVar aggregate classification (germline): Conflicting classifications of pathogenicity. Review status: criteria provided, conflicting classifications (1 of 4 stars). 4 submissions from 4 submitters: Uncertain significance (1); Likely benign (2). 1 of the submissions does not count toward it. Last evaluated 2025-08-23.

Conditions:
Fanconi-Bickel syndrome (FBS). Also called: PSEUDO-PHLORIZIN DIABETES; FANCONI SYNDROME WITH INTESTINAL MALABSORPTION AND GALACTOSE INTOLERANCE; HEPATIC GLYCOGENOSIS WITH AMINO ACIDURIA AND GLUCOSURIA; Glycogen storage disease due to GLUT2 deficiency; HEPATIC GLYCOGENOSIS WITH FANCONI NEPHROPATHY; HEPATORENAL GLYCOGENOSIS WITH RENAL FANCONI SYNDROME. Identifiers: Orphanet 2088, MedGen C3495427, MONDO:0009216, OMIM 227810.
SLC2A2-related disorder. Also called: SLC2A2-related condition.

Allele frequency attached by ClinVar (database versions not stated): gnomAD exomes 0.00010 and 0.00012; ExAC 0.00012; 1000 Genomes Project 30x 0.00031; ESP Exome Variant Server 0.00038; 1000 Genomes Project 0.00040; gnomAD 0.00067 and 0.00076; TOPMed 0.00078.
gnomAD v4.1: 242 of 1,608,594 alleles (0.015%); highest among the groups gnomAD compares: African/African-American, 0.2%; no homozygotes.

Submissions (4):

Labcorp Genetics (formerly Invitae), Labcorp
Classification: Likely benign for Fanconi-Bickel syndrome. Last evaluated: 2025-08-23. Review status: criteria provided, single submitter. Criteria: Invitae Variant Classification Sherloc (09022015). Collection method: clinical testing. Allele origin: germline.

Blueprint Genetics
Classification: Likely benign. Last evaluated: 2022-12-29. Review status: criteria provided, single submitter. Criteria: ACMG Guidelines, 2015. Collection method: clinical testing. Allele origin: germline.

Genetic Services Laboratory, University of Chicago
Classification: Uncertain significance. Last evaluated: 2021-10-13. Review status: criteria provided, single submitter. Criteria: ACMG Guidelines, 2015. Collection method: clinical testing. Allele origin: germline. Affected: no.

PreventionGenetics, part of Exact Sciences
Classification: Likely benign for SLC2A2-related condition. Last evaluated: 2020-11-25. Review status: no assertion criteria provided. Collection method: clinical testing. Allele origin: germline. Not counted in ClinVar's aggregate classification.
Comment: This variant is classified as likely benign based on ACMG/AMP sequence variant interpretation guidelines (Richards et al. 2015 PMID: 25741868, with internal and published modifications).

NM_000340.2(SLC2A2):c.1164G>A (p.Val388=)

Gene: SLC2A2 (solute carrier family 2 member 2; minus strand). Cytogenetic location: 3q26.2.
Variant type: single nucleotide variant.
Coding change: c.1164G>A on transcript NM_000340.2 (MANE Select); coding-DNA position 1164, G replaced by A.
Protein change: p.Val388=; no amino-acid change (valine 388 retained).
Molecular consequence: synonymous variant.
Genome position (GRCh38, 1-based): chr3:170,999,071, C>T on the plus strand (G>A on the coding strand, the complement: SLC2A2 is on the minus strand). VCF-style: chr3-170999071-C-T. GRCh37 (hg19) VCF-style: chr3-170716860-C-T.
Other names: c.807G>A, p.Val269= (NM_001278658.2); c.645G>A, p.Val215= (NM_001278659.2).
Identifiers: ClinVar variation 738012 (VCV000738012.15), dbSNP rs140794946, ClinGen allele CA2702479.